The following is an entry in ClinVar:

ClinVar aggregate classification (germline): Pathogenic. Review status: criteria provided, multiple submitters, no conflicts (2 of 4 stars). 5 submissions from 5 submitters: Pathogenic (4). 1 of the submissions does not count toward it. Last evaluated 2024-07-12.

Conditions:
Arthrogryposis multiplex congenita 3, myogenic type. Also called: ARTHROGRYPOSIS MULTIPLEX CONGENITA, MYOGENIC TYPE. Identifiers: MedGen C5193121, MONDO:0032778, OMIM 618484.

Allele frequency attached by ClinVar (database versions not stated): gnomAD exomes below 0.00001; ExAC 0.00001; gnomAD 0.00001; TOPMed 0.00001.
gnomAD v4.1: 3 of 1,613,968 alleles (0.00019%); highest among the groups gnomAD compares: East Asian, 0.0022%; no homozygotes.

Submissions (5):

GeneDx
Classification: Pathogenic. Last evaluated: 2024-07-12. Review status: criteria provided, single submitter. Criteria: GeneDx Variant Classification Process June 2021. Collection method: clinical testing. Allele origin: germline. Affected: yes.
Comment: Nonsense variant predicted to result in protein truncation or nonsense mediated decay in a gene for which loss of function is a known mechanism of disease; Not observed at significant frequency in large population cohorts (gnomAD); This variant is associated with the following publications: (PMID: 33820833, 30548255, 24319099)

Clinical Genetics Laboratory, Skane University Hospital Lund
Classification: Pathogenic. Last evaluated: 2022-05-27. Review status: criteria provided, single submitter. Criteria: ACMG Guidelines, 2015. Collection method: clinical testing. Allele origin: germline. Affected: yes.

Athena Diagnostics
Classification: Pathogenic. Last evaluated: 2018-10-12. Review status: criteria provided, single submitter. Criteria: Athena Diagnostics Criteria. Collection method: clinical testing. Allele origin: germline.
Comment: The variant creates a premature nonsense codon, and is therefore predicted to significantly disrupt the protein structure. Found in at least one symptomatic patient, and found in general population data that is consistent with pathogenicity. Moderate co-segregation with disease. However, available data are from a single family and lack unaffected family members.

Eurofins Ntd Llc (ga)
Classification: Pathogenic. Last evaluated: 2015-11-10. Review status: criteria provided, single submitter. Criteria: EGL Classification Definitions 2015. Collection method: clinical testing. Allele origin: germline. Observed: 1 variant allele, 1 heterozygote.

OMIM
Classification: Pathogenic for ARTHROGRYPOSIS MULTIPLEX CONGENITA 3, MYOGENIC TYPE. Last evaluated: 2014-05-01. Review status: no assertion criteria provided. Collection method: literature only. Allele origin: germline. Not counted in ClinVar's aggregate classification.

Literature cited by the submitters: PubMed 24319099 (cited by Athena Diagnostics and OMIM).

NM_182961.4(SYNE1):c.24577C>T (p.Arg8193Ter)

Gene: SYNE1 (spectrin repeat containing nuclear envelope protein 1; minus strand). Cytogenetic location: 6q25.2.
Variant type: single nucleotide variant.
Coding change: c.24577C>T on transcript NM_182961.4 (MANE Select); coding-DNA position 24577, C replaced by T.
Protein change: p.Arg8193Ter; replaces arginine 8193 with a stop codon.
Molecular consequence: nonsense.
Genome position (GRCh38, 1-based): chr6:152,149,542, G>A on the plus strand (C>T on the coding strand, the complement: SYNE1 is on the minus strand). VCF-style: chr6-152149542-G-A. GRCh37 (hg19) VCF-style: chr6-152470677-G-A.
Other names: c.1183C>T, p.Arg395Ter (NM_001347701.2); c.1042C>T, p.Arg348Ter (NM_001347702.2); c.24364C>T, p.Arg8122Ter (NM_033071.5); c.24364C>T (NM_033071.3); short protein forms R8122*, R8193*, R348*, R395*.
Identifiers: ClinVar variation 284512 (VCV000284512.9), dbSNP rs760715690, ClinGen allele CA4053145.